The following is an entry in ClinVar:

ClinVar aggregate classification (germline): Uncertain significance. Review status: criteria provided, multiple submitters, no conflicts (2 of 4 stars). 2 submissions from 2 submitters: Uncertain significance (2). Last evaluated 2024-03-18.

Submissions (2):

Blueprint Genetics
Classification: Uncertain significance. Last evaluated: 2024-03-18. Review status: criteria provided, single submitter. Criteria: ACMG Guidelines, 2015. Collection method: clinical testing. Allele origin: germline.

GeneDx
Classification: Uncertain significance. Last evaluated: 2024-02-21. Review status: criteria provided, single submitter. Criteria: GeneDx Variant Classification Process June 2021. Collection method: clinical testing. Allele origin: germline. Affected: yes.
Comment: Has not been previously published as pathogenic or benign to our knowledge; Not observed at significant frequency in large population cohorts (gnomAD); In silico analysis supports that this missense variant has a deleterious effect on protein structure/function

NM_001378477.3(NYX):c.782T>A (p.Leu261Gln)

Gene: NYX (nyctalopin; plus strand). Cytogenetic location: Xp11.4.
Variant type: single nucleotide variant.
Coding change: c.782T>A on transcript NM_001378477.3 (MANE Select); coding-DNA position 782, T replaced by A.
Protein change: p.Leu261Gln; replaces leucine 261 with glutamine.
Molecular consequence: missense variant.
Genome position (GRCh38, 1-based): chrX:41,474,250, T>A. VCF-style: chrX-41474250-T-A. GRCh37 (hg19) VCF-style: chrX-41333503-T-A.
Other names: c.782T>A, p.Leu261Gln (NM_022567.3); short protein forms L261Q.
Identifiers: ClinVar variation 3369338 (VCV003369338.2).